The following is an entry in ClinVar:

ClinVar aggregate classification (germline): Uncertain significance. Review status: criteria provided, multiple submitters, no conflicts (2 of 4 stars). 2 submissions from 2 submitters: Uncertain significance (2). Last evaluated 2025-03-24.

Conditions:
Inborn genetic diseases. Identifiers: MedGen C0950123, MeSH D030342.

Allele frequency attached by ClinVar (database versions not stated): ExAC 0.00002; TOPMed 0.00003; gnomAD 0.00001; gnomAD exomes 0.00002.

Submissions (2):

Ambry Genetics
Classification: Uncertain significance for Inborn genetic diseases. Last evaluated: 2025-03-24. Review status: criteria provided, single submitter. Criteria: Ambry Variant Classification Scheme 2023. Collection method: clinical testing. Allele origin: germline.

Labcorp Genetics (formerly Invitae), Labcorp
Classification: Uncertain significance. Last evaluated: 2021-10-21. Review status: criteria provided, single submitter. Criteria: Invitae Variant Classification Sherloc (09022015). Collection method: clinical testing. Allele origin: germline.
Comment: This sequence change replaces arginine, which is basic and polar, with tryptophan, which is neutral and slightly polar, at codon 865 of the AP3B2 protein (p.Arg865Trp). This variant is present in population databases (rs772198872, gnomAD 0.007%). This variant has not been reported in the literature in individuals affected with AP3B2-related conditions. Algorithms developed to predict the effect of missense changes on protein structure and function are either unavailable or do not agree on the potential impact of this missense change (SIFT: "Deleterious"; PolyPhen-2: "Possibly Damaging"; Align-GVGD: "Class C0"). In summary, the available evidence is currently insufficient to determine the role of this variant in disease. Therefore, it has been classified as a Variant of Uncertain Significance.

NM_001278512.2(AP3B2):c.2650C>T (p.Arg884Trp)

Genes: CPEB1-AS1 (CPEB1 antisense RNA 1; plus strand), AP3B2 (adaptor related protein complex 3 subunit beta 2; minus strand). Cytogenetic location: 15q25.2.
Variant type: single nucleotide variant.
Coding change: c.2650C>T on transcript NM_001278512.2 (MANE Select); coding-DNA position 2650, C replaced by T.
Protein change: p.Arg884Trp; replaces arginine 884 with tryptophan.
Molecular consequence: missense variant.
Genome position (GRCh38, 1-based): chr15:82,662,877, G>A on the plus strand (C>T on the coding strand, the complement: AP3B2 is on the minus strand). VCF-style: chr15-82662877-G-A. GRCh37 (hg19) VCF-style: chr15-83331629-G-A.
Other names: c.2497C>T, p.Arg833Trp (NM_001278511.2); c.2593C>T, p.Arg865Trp (NM_004644.5); c.2593C>T (NM_004644.3); short protein forms R884W, R833W, R865W.
Identifiers: ClinVar variation 1420033 (VCV001420033.4), dbSNP rs772198872, ClinGen allele CA7699826.